The following is an entry in ClinVar:

ClinVar aggregate classification (germline): Benign/Likely benign. Review status: criteria provided, multiple submitters, no conflicts (2 of 4 stars). 3 submissions from 3 submitters: Benign (1); Likely benign (1). 1 of the submissions does not count toward it. Last evaluated 2025-09-25.

Conditions:
COL4A6-related disorder. Also called: COL4A6-related condition.

Allele frequency attached by ClinVar (database versions not stated): ESP Exome Variant Server 0.00009; 1000 Genomes Project 30x 0.00021; 1000 Genomes Project 0.00026; gnomAD exomes 0.00039; ExAC 0.00055.
gnomAD v4.1: 490 of 1,209,594 alleles (0.041%); highest among the groups gnomAD compares: Non-Finnish European, 0.0048%; 1 homozygote.

Submissions (3):

Labcorp Genetics (formerly Invitae), Labcorp
Classification: Benign. Last evaluated: 2025-09-25. Review status: criteria provided, single submitter. Criteria: Invitae Variant Classification Sherloc (09022015). Collection method: clinical testing. Allele origin: germline.

Blueprint Genetics
Classification: Likely benign. Last evaluated: 2024-10-18. Review status: criteria provided, single submitter. Criteria: ACMG Guidelines, 2015. Collection method: clinical testing. Allele origin: germline.

PreventionGenetics, part of Exact Sciences
Classification: Benign for COL4A6-related condition. Last evaluated: 2022-02-03. Review status: no assertion criteria provided. Collection method: clinical testing. Allele origin: germline. Not counted in ClinVar's aggregate classification.
Comment: This variant is classified as benign based on ACMG/AMP sequence variant interpretation guidelines (Richards et al. 2015 PMID: 25741868, with internal and published modifications).

NM_033641.4(COL4A6):c.1256T>C (p.Ile419Thr)

Gene: COL4A6 (collagen type IV alpha 6 chain; minus strand). Cytogenetic location: Xq22.3.
Variant type: single nucleotide variant.
Coding change: c.1256T>C on transcript NM_033641.4 (MANE Select); coding-DNA position 1256, T replaced by C.
Protein change: p.Ile419Thr; replaces isoleucine 419 with threonine.
Molecular consequence: missense variant.
Genome position (GRCh38, 1-based): chrX:108,191,458, A>G on the plus strand (T>C on the coding strand, the complement: COL4A6 is on the minus strand). VCF-style: chrX-108191458-A-G. GRCh37 (hg19) VCF-style: chrX-107434688-A-G.
Other names: c.1259T>C (NM_001847.3); c.1256T>C, p.Ile419Thr (NM_001287758.2, NM_001287759.2, NM_001287760.2); c.1259T>C, p.Ile420Thr (NM_001847.4); short protein forms I419T, I420T.
Identifiers: ClinVar variation 2916438 (VCV002916438.6), dbSNP rs142541937, ClinGen allele CA10487877.